The following is an entry in ClinVar:

NM_000071.3(CBS):c.1042G>A (p.Gly348Ser)

Gene: CBS (cystathionine beta-synthase; minus strand). Cytogenetic location: 21q22.3.
Variant type: single nucleotide variant.
Coding change: c.1042G>A on transcript NM_000071.3 (MANE Select); coding-DNA position 1042, G replaced by A.
Protein change: p.Gly348Ser; replaces glycine 348 with serine.
Molecular consequence: missense variant.
Genome position (GRCh38, 1-based): chr21:43,060,544, C>T on the plus strand (G>A on the coding strand, the complement: CBS is on the minus strand). VCF-style: chr21-43060544-C-T. GRCh37 (hg19) VCF-style: chr21-44480654-C-T.
Other names: c.1042G>A, p.Gly348Ser (NM_001178008.3, NM_001178009.3, NM_001320298.2); c.727G>A, p.Gly243Ser (NM_001321072.1); short protein forms G243S, G348S.
Identifiers: ClinVar variation 3257396 (VCV003257396.17).

ClinVar aggregate classification (germline): Likely pathogenic (1 of 4 stars; one submission).

Submission:

CeGaT Center for Human Genetics Tuebingen
Classification: Likely pathogenic. Last evaluated: 2024-07-01. Review status: criteria provided, single submitter. Criteria: CeGaT Center For Human Genetics Tuebingen Variant Classification Criteria Version 2. Collection method: clinical testing. Allele origin: germline. Affected: yes. Observed: 1 variant allele.
Comment: CBS: PM1, PM2, PP4:Moderate, PM3:Supporting